The following is an entry in ClinVar:

ClinVar aggregate classification (germline): Conflicting classifications of pathogenicity. Review status: criteria provided, conflicting classifications (1 of 4 stars). 3 submissions from 3 submitters: Uncertain significance (1); Likely benign (2). Last evaluated 2026-02-09.

Conditions:
Nance-Horan syndrome (NHS). Identifiers: Orphanet 627, MedGen C0796085, MONDO:0010545, OMIM 302350.
Congenital ocular coloboma. Also called: Coloboma; COLOBOMA OF IRIS, CHOROID, AND RETINA; COLOBOMA, UVEORETINAL; Coloboma of eye. Identifiers: Orphanet 194, MedGen C0009363, MONDO:0001476, HP:0000589.
NHS-related disorder. Also called: NHS-related condition.

Allele frequency attached by ClinVar (database versions not stated): TOPMed 0.00001; gnomAD 0.00003; gnomAD exomes 0.00004.
gnomAD v4.1: 53 of 1,207,873 alleles (0.0044%); highest among the groups gnomAD compares: Non-Finnish European, 0.0054%; no homozygotes.

Submissions (3):

PreventionGenetics, part of Exact Sciences
Classification: Uncertain significance for NHS-related condition. Last evaluated: 2026-02-09. Review status: criteria provided, single submitter. Criteria: ACMG Guidelines, 2015. Collection method: clinical testing. Allele origin: germline.
Comment: The NHS c.839G>A variant is predicted to result in the amino acid substitution p.Arg280His. To our knowledge, this variant has not been reported in the literature. This variant is present in 0.0073% of alleles in individuals of European (Non-Finnish) descent in gnomAD, including 20 hemizygotes in v4.1.0. Although we suspect that this variant may be benign, at this time, the clinical significance of this variant is uncertain due to the absence of conclusive functional and genetic evidence.

Labcorp Genetics (formerly Invitae), Labcorp
Classification: Likely benign for Nance-Horan syndrome. Last evaluated: 2024-07-15. Review status: criteria provided, single submitter. Criteria: Invitae Variant Classification Sherloc (09022015). Collection method: clinical testing. Allele origin: germline.

Cambridge Genomics Laboratory, East Genomic Laboratory Hub, NHS Genomic Medicine Service
Classification: Likely benign for Congenital ocular coloboma. Last evaluated: 2020-05-14. Review status: criteria provided, single submitter. Criteria: ACGS Best Practice Guidelines for Variant Classification in Rare Disease 2020. Collection method: clinical testing. Allele origin: germline. Affected: yes. Observed: 1 variant allele.

NM_001291867.2(NHS):c.839G>A (p.Arg280His)

Gene: NHS (NHS actin remodeling regulator; plus strand). Cytogenetic location: Xp22.13.
Variant type: single nucleotide variant.
Coding change: c.839G>A on transcript NM_001291867.2 (MANE Select); coding-DNA position 839, G replaced by A.
Protein change: p.Arg280His; replaces arginine 280 with histidine.
Molecular consequence: missense variant.
Genome position (GRCh38, 1-based): chrX:17,692,455, G>A. VCF-style: chrX-17692455-G-A. GRCh37 (hg19) VCF-style: chrX-17710575-G-A.
Other names: c.308G>A, p.Arg103His (NM_001136024.4, NM_001291868.2); c.839G>A, p.Arg280His (NM_198270.4); c.839G>A (NM_198270.3); short protein forms R103H, R280H.
Identifiers: ClinVar variation 2154214 (VCV002154214.6), dbSNP rs757838540, ClinGen allele CA326964757.